The following is an entry in ClinVar:

ClinVar aggregate classification (germline): Conflicting classifications of pathogenicity. Review status: criteria provided, conflicting classifications (1 of 4 stars). 3 submissions from 3 submitters: Pathogenic (1); Uncertain significance (2). Last evaluated 2024-05-07.

Conditions:
Corneal dystrophy, Fuchs endothelial, 4 (FECD4). Identifiers: Orphanet 98974, MedGen C2750450, MONDO:0013204, OMIM 613268.
Corneal dystrophy-perceptive deafness syndrome (CDPD). Also called: CORNEAL DYSTROPHY AND SENSORINEURAL DEAFNESS; HARBOYAN SYNDROME. Identifiers: Orphanet 1490, MedGen C1857572, MONDO:0009015, OMIM 217400.
Congenital hereditary endothelial dystrophy of cornea. Also called: CORNEAL DYSTROPHY, CONGENITAL HEREDITARY ENDOTHELIAL; Corneal endothelial dystrophy, autosomal recessive; Congenital hereditary endothelial dystrophy type II; Congenital hereditary endothelial dystrophy of the cornea; Maumenee corneal dystrophy. Identifiers: Orphanet 293603, MedGen C1857569, MONDO:0009019, OMIM 217700.

Submissions (3):

Fulgent Genetics
Classification: Uncertain significance for Corneal dystrophy-perceptive deafness syndrome; Congenital hereditary endothelial dystrophy of cornea; Corneal dystrophy, Fuchs endothelial, 4. Last evaluated: 2024-05-07. Review status: criteria provided, single submitter. Criteria: ACMG Guidelines, 2015. Collection method: clinical testing. Allele origin: germline.

Labcorp Genetics (formerly Invitae), Labcorp
Classification: Pathogenic. Last evaluated: 2023-12-14. Review status: criteria provided, single submitter. Criteria: Invitae Variant Classification Sherloc (09022015). Collection method: clinical testing. Allele origin: germline.
Comment: This sequence change creates a premature translational stop signal (p.Arg7Alafs*18) in the SLC4A11 gene. It is expected to result in an absent or disrupted protein product. Loss-of-function variants in SLC4A11 are known to be pathogenic (PMID: 17220209, 17679935). This variant is present in population databases (rs778455666, gnomAD 0.0009%). This variant has not been reported in the literature in individuals affected with SLC4A11-related conditions. ClinVar contains an entry for this variant (Variation ID: 1353570). For these reasons, this variant has been classified as Pathogenic.

Department of Pathology and Laboratory Medicine, Sinai Health System
Classification: Uncertain significance for Congenital hereditary endothelial dystrophy of cornea; Corneal dystrophy, Fuchs endothelial, 4; Corneal dystrophy-perceptive deafness syndrome. Last evaluated: 2023-07-28. Review status: criteria provided, single submitter. Criteria: ACMG Guidelines, 2015. Collection method: research. Allele origin: germline.

Literature cited by the submitters: PubMed 17220209 (cited by Labcorp Genetics (formerly Invitae), Labcorp); PubMed 17679935 (cited by Labcorp Genetics (formerly Invitae), Labcorp).

NM_001174089.2(SLC4A11):c.44-74dup

Gene: SLC4A11 (solute carrier family 4 member 11; minus strand). Cytogenetic location: 20p13.
Variant type: Duplication.
Coding change: c.44-74dup on transcript NM_001174089.2 (MANE Select); 74 bases into the intron before coding-DNA position 44, one base duplicated (G; older notation c.44-74dupG).
Molecular consequence: intron variant. On other transcripts: frameshift variant (1).
Genome position (GRCh38, 1-based): chr20:3,237,662, C duplicated on the plus strand (G on the coding strand, the reverse complement: SLC4A11 is on the minus strand); the first of 6 consecutive C bases (chr20:3,237,662-3,237,667); duplicating any one gives the same sequence. VCF-style (leftmost placement, unchanged base first): chr20-3237661-G-GC. GRCh37 (hg19) VCF-style: chr20-3218307-G-GC.
Other names: c.18dup, p.Arg7fs (NM_032034.4); c.44-74dup (NM_001363745.2); c.173-74dup (NM_001174090.2); c.18dup (NM_032034.3); short protein forms R7fs.
Identifiers: ClinVar variation 1353570 (VCV001353570.8), dbSNP rs778455666, ClinGen allele CA9742495.